The following is an entry in ClinVar:

ClinVar aggregate classification (germline): Uncertain significance (1 of 4 stars; one submission).

Submission:

Women's Health and Genetics/Laboratory Corporation of America, LabCorp
Classification: Uncertain significance. Last evaluated: 2019-04-01. Review status: criteria provided, single submitter. Criteria: LabCorp Variant Classification Summary - May 2015. Collection method: clinical testing. Allele origin: germline.
Comment: Variant summary: NEB c.4396G>A (p.Ala1466Thr) results in a non-conservative amino acid change in the encoded protein sequence. Three of five in-silico tools predict a damaging effect of the variant on protein function. The variant was absent in 277212 control chromosomes. The available data on variant occurrences in the general population are insufficient to allow any conclusion about variant significance. To our knowledge, no occurrence of c.4396G>A in individuals affected with Nemaline Myopathy 2 and no experimental evidence demonstrating its impact on protein function have been reported. No clinical diagnostic laboratories have submitted clinical-significance assessments for this variant to ClinVar after 2014. Based on the evidence outlined above, the variant was classified as uncertain significance.

NM_001164508.2(NEB):c.4396G>A (p.Ala1466Thr)

Gene: NEB (nebulin; minus strand). Cytogenetic location: 2q23.3.
Variant type: single nucleotide variant.
Coding change: c.4396G>A on transcript NM_001164508.2 (MANE Select); coding-DNA position 4396, G replaced by A.
Protein change: p.Ala1466Thr; replaces alanine 1466 with threonine.
Molecular consequence: missense variant.
Genome position (GRCh38, 1-based): chr2:151,671,133, C>T on the plus strand (G>A on the coding strand, the complement: NEB is on the minus strand). VCF-style: chr2-151671133-C-T. GRCh37 (hg19) VCF-style: chr2-152527647-C-T.
Other names: c.4396G>A, p.Ala1466Thr (NM_001164507.2, NM_001271208.2, NM_004543.5); short protein forms A1466T.
Identifiers: ClinVar variation 929154 (VCV000929154.1), dbSNP rs2099279944, ClinGen allele CA348815790.